The following is an entry in ClinVar:

ClinVar aggregate classification (germline): Benign/Likely benign. Review status: criteria provided, multiple submitters, no conflicts (2 of 4 stars). 5 submissions from 5 submitters: Benign (1); Likely benign (3). 1 of the submissions does not count toward it. Last evaluated 2026-01-14.

Conditions:
IGHMBP2-related disorder. Also called: IGHMBP2-related condition; IGHMBP2-related disorders.
Charcot-Marie-Tooth disease axonal type 2S. Also called: CHARCOT-MARIE-TOOTH NEUROPATHY, TYPE 2S; CHARCOT-MARIE-TOOTH DISEASE, AXONAL, AUTOSOMAL RECESSIVE, TYPE 2S. Identifiers: Orphanet 443073, MedGen C4015349, MONDO:0014511, OMIM 616155.
Autosomal recessive distal spinal muscular atrophy 1. Also called: NEURONOPATHY, DISTAL HEREDITARY MOTOR, HARDING TYPE VI; NEUROPATHY, DISTAL HEREDITARY MOTOR, AUTOSOMAL RECESSIVE 1; HMN VI; Spinal muscular atrophy with respiratory distress 1; NEURONOPATHY, SEVERE INFANTILE AXONAL, WITH RESPIRATORY FAILURE; SEVERE INFANTILE AXONAL NEUROPATHY WITH RESPIRATORY FAILURE. Identifiers: Orphanet 98920, MedGen C1858517, MONDO:0011436, OMIM 604320.
Inborn genetic diseases. Identifiers: MedGen C0950123, MeSH D030342.

Allele frequency attached by ClinVar (database versions not stated): gnomAD exomes 0.00009 and 0.00029; ExAC 0.00027; ESP Exome Variant Server 0.00077; gnomAD 0.00108 and 0.00119; TOPMed 0.00121; 1000 Genomes Project 30x 0.00141; 1000 Genomes Project 0.00160.
gnomAD v4.1: 322 of 1,613,920 alleles (0.02%); highest among the groups gnomAD compares: African/African-American, 0.34%; no homozygotes.

Submissions (5):

Labcorp Genetics (formerly Invitae), Labcorp
Classification: Benign for Autosomal recessive distal spinal muscular atrophy 1; Charcot-Marie-Tooth disease axonal type 2S. Last evaluated: 2026-01-14. Review status: criteria provided, single submitter. Criteria: Invitae Variant Classification Sherloc (09022015). Collection method: clinical testing. Allele origin: germline.

GeneDx
Classification: Likely benign. Last evaluated: 2020-12-16. Review status: criteria provided, single submitter. Criteria: GeneDx Variant Classification Process June 2021. Collection method: clinical testing. Allele origin: germline. Affected: yes.

Ambry Genetics
Classification: Likely benign for Inborn genetic diseases. Last evaluated: 2019-07-11. Review status: criteria provided, single submitter. Criteria: Ambry Variant Classification Scheme 2023. Collection method: clinical testing. Allele origin: germline.

Breakthrough Genomics
Classification: Likely benign. Review status: criteria provided, single submitter. Criteria: ACMG Guidelines, 2015. Collection method: not provided. Allele origin: germline. Inheritance: Autosomal recessive inheritance. Affected: yes.

PreventionGenetics, part of Exact Sciences
Classification: Likely benign for IGHMBP2-related condition. Last evaluated: 2019-10-28. Review status: no assertion criteria provided. Collection method: clinical testing. Allele origin: germline. Not counted in ClinVar's aggregate classification.
Comment: This variant is classified as likely benign based on ACMG/AMP sequence variant interpretation guidelines (Richards et al. 2015 PMID: 25741868, with internal and published modifications).

NM_002180.3(IGHMBP2):c.276C>T (p.Tyr92=)

Gene: IGHMBP2 (immunoglobulin mu DNA binding protein 2; plus strand). Cytogenetic location: 11q13.3.
Variant type: single nucleotide variant.
Coding change: c.276C>T on transcript NM_002180.3 (MANE Select); coding-DNA position 276, C replaced by T.
Protein change: p.Tyr92=; no amino-acid change (tyrosine 92 retained).
Molecular consequence: synonymous variant.
Genome position (GRCh38, 1-based): chr11:68,908,164, C>T. VCF-style: chr11-68908164-C-T. GRCh37 (hg19) VCF-style: chr11-68675632-C-T.
Identifiers: ClinVar variation 377972 (VCV000377972.20), dbSNP rs146217031, ClinGen allele CA6153246.